The following is an entry in ClinVar:

NM_001387690.1(KATNAL2):c.793T>G (p.Leu265Val)

Gene: KATNAL2 (katanin catalytic subunit A1 like 2; plus strand). Cytogenetic location: 18q21.1.
Variant type: single nucleotide variant.
Coding change: c.793T>G on transcript NM_001387690.1 (MANE Select); coding-DNA position 793, T replaced by G.
Protein change: p.Leu265Val; replaces leucine 265 with valine.
Molecular consequence: missense variant. On other transcripts: intron variant (4).
Genome position (GRCh38, 1-based): chr18:47,067,087, T>G. VCF-style: chr18-47067087-T-G. GRCh37 (hg19) VCF-style: chr18-44593458-T-G.
Other names: NC_000018.9:g.44593458T>G; c.871T>G, p.Leu291Val (NM_001353899.1); c.868T>G, p.Leu290Val (NM_001353900.1); c.793T>G, p.Leu265Val (NM_001353901.1, NM_001367621.1); c.460T>G, p.Leu154Val (NM_001353903.1, NM_001353905.1, NM_001353906.1 and 1 more transcripts); c.577T>G, p.Leu193Val (NM_031303.3); c.394-2133T>G (NM_001353904.1, NM_001353909.1, NM_001353908.1); c.805-2133T>G (NM_001353902.1); short protein forms L154V, L290V, L193V, L291V, L265V.
Identifiers: ClinVar variation 1749609 (VCV001749609.5), dbSNP rs139560400, ClinGen allele CA8955090.

ClinVar aggregate classification (germline): Benign. Review status: criteria provided, single submitter (1 of 4 stars). 2 submissions from 2 submitters: Benign (1). 1 of the submissions does not count toward it. Last evaluated 2017-06-16.

Conditions:
KATNAL2-related disorder. Also called: KATNAL2-related condition.

Allele frequency attached by ClinVar (database versions not stated): ExAC 0.00143; 1000 Genomes Project 30x 0.00359; 1000 Genomes Project 0.00379.
gnomAD v4.1: 957 of 1,583,236 alleles (0.06%); highest among the groups gnomAD compares: East Asian, 2%; 15 homozygotes.

Submissions (10):

Ambry Genetics
Classification: Benign. Last evaluated: 2017-06-16. Review status: criteria provided, single submitter. Criteria: Ambry Variant Classification Scheme 2023. Collection method: clinical testing. Allele origin: germline.

PreventionGenetics, part of Exact Sciences
Classification: Benign for KATNAL2-related condition. Last evaluated: 2019-05-02. Review status: no assertion criteria provided. Collection method: clinical testing. Allele origin: germline. Not counted in ClinVar's aggregate classification.
Comment: This variant is classified as benign based on ACMG/AMP sequence variant interpretation guidelines (Richards et al. 2015 PMID: 25741868, with internal and published modifications).

Dr. Peter K. Rogan Lab, Western University
No classification provided (evidence only). Condition: Malignant tumor of urinary bladder. Review status: no classification provided. Collection method: in vitro. Allele origin: not applicable. Functional consequence: retained intron. Not counted in ClinVar's aggregate classification.

Dr. Peter K. Rogan Lab, Western University
No classification provided (evidence only). Condition: Familial cancer of breast. Review status: no classification provided. Collection method: in vitro. Allele origin: not applicable. Functional consequence: retained intron. Not counted in ClinVar's aggregate classification.

Dr. Peter K. Rogan Lab, Western University
No classification provided (evidence only). Condition: Thyroid cancer, nonmedullary, 1. Review status: no classification provided. Collection method: in vitro. Allele origin: not applicable. Functional consequence: retained intron. Not counted in ClinVar's aggregate classification.

Dr. Peter K. Rogan Lab, Western University
No classification provided (evidence only). Condition: Gastric cancer. Review status: no classification provided. Collection method: in vitro. Allele origin: not applicable. Functional consequence: retained intron. Not counted in ClinVar's aggregate classification.

Dr. Peter K. Rogan Lab, Western University
No classification provided (evidence only). Condition: Gastric cancer. Review status: no classification provided. Collection method: in vitro. Allele origin: not applicable. Functional consequence: retained intron. Not counted in ClinVar's aggregate classification.

Dr. Peter K. Rogan Lab, Western University
No classification provided (evidence only). Condition: Gastric cancer. Review status: no classification provided. Collection method: in vitro. Allele origin: not applicable. Functional consequence: retained intron. Not counted in ClinVar's aggregate classification.

Dr. Peter K. Rogan Lab, Western University
No classification provided (evidence only). Condition: Gastric cancer. Review status: no classification provided. Collection method: in vitro. Allele origin: not applicable. Functional consequence: retained intron. Not counted in ClinVar's aggregate classification.

Dr. Peter K. Rogan Lab, Western University
No classification provided (evidence only). Condition: Malignant tumor of esophagus. Review status: no classification provided. Collection method: in vitro. Allele origin: not applicable. Functional consequence: skipped exon, retained intron. Not counted in ClinVar's aggregate classification.